The following is an entry in ClinVar:

ClinVar aggregate classification (germline): Pathogenic/Likely pathogenic. Review status: criteria provided, multiple submitters, no conflicts (2 of 4 stars). 5 submissions from 5 submitters: Pathogenic (2); Likely pathogenic (1). 2 of the submissions do not count toward it. Last evaluated 2025-09-15.

Conditions:
Hereditary pheochromocytoma and paraganglioma. Also called: Hereditary Paraganglioma-Pheochromocytoma Syndromes; Hereditary paragangliomas and pheochromocytomas; Hereditary pheochromocytoma-paraganglioma. Identifiers: Orphanet 29072, MedGen C4274332, MONDO:0017366.
PHEOCHROMOCYTOMA/PARAGANGLIOMA SYNDROME 8 (PPGL8). Identifiers: MedGen CN382246, OMIM 621687.
Hereditary cancer-predisposing syndrome. Also called: Hereditary Cancer Syndrome; Tumor predisposition; Neoplastic Syndromes, Hereditary; Hereditary neoplastic syndrome. Identifiers: Orphanet 140162, MedGen C0027672, MeSH D009386, MONDO:0015356.
Pheochromocytoma. Also called: MAX-Related Hereditary Paraganglioma-Pheochromocytoma Syndrome. Identifiers: Orphanet 29072, MedGen C0031511, MONDO:0008233, OMIM 171300, HP:0002666.

Submissions (5):

Ambry Genetics
Classification: Pathogenic for Hereditary cancer-predisposing syndrome. Last evaluated: 2025-09-15. Review status: criteria provided, single submitter. Criteria: Ambry Variant Classification Scheme 2023. Collection method: clinical testing. Allele origin: germline.
Comment: The p.M1? pathogenic mutation (also known as c.3G>T) is located in coding exon 1 of the TMEM127 gene and results from a G to T substitution at nucleotide position 3. This alters the methionine residue at the initiation codon (ATG). This variant was reported in individuals with pheochromocytoma and/or paraganglioma (Yao L et al. JAMA. 2010 Dec;304:2611-9; Ambry internal data). A cellular localization assay suggests this variant results in impaired function (Yao L et al. JAMA. 2010 Dec;304:2611-9). This variant is considered to be rare based on population cohorts in the Genome Aggregation Database (gnomAD). This amino acid position is highly conserved in available vertebrate species. In addition to the clinical data presented in the literature, sequence variations that modify the initiation codon are expected to result in either loss of translation initiation, N-terminal truncation, or cause a shift in the mRNA reading frame. Based on the supporting evidence, this variant is interpreted as a disease-causing mutation.

Labcorp Genetics (formerly Invitae), Labcorp
Classification: Pathogenic for Hereditary pheochromocytoma and paraganglioma. Last evaluated: 2024-12-04. Review status: criteria provided, single submitter. Criteria: Invitae Variant Classification Sherloc (09022015). Collection method: clinical testing. Allele origin: germline.
Comment: This sequence change affects the initiator methionine of the TMEM127 mRNA. The next in-frame methionine is located at codon 85. This variant is not present in population databases (gnomAD no frequency). Disruption of the initiator codon has been observed in individuals with paraganglioma-pheochromocytoma syndromes (PMID: 28384794; internal data). ClinVar contains an entry for this variant (Variation ID: 126968). Algorithms developed to predict the effect of variants on gene product structure and function are not available or were not evaluated for this variant. Experimental studies have shown that disruption of the initiator codon affects TMEM127 function (PMID: 21156949). This variant disrupts a region of the TMEM127 protein in which other variant(s) (p.Ala47Asp) have been observed in individuals with TMEM127-related conditions (PMID: 20923864). This suggests that this is a clinically significant region of the protein, and that variants that disrupt it are likely to be disease-causing. For these reasons, this variant has been classified as Pathogenic.

GeneDx
Classification: Likely pathogenic. Last evaluated: 2023-01-04. Review status: criteria provided, single submitter. Criteria: GeneDx Variant Classification Process June 2021. Collection method: clinical testing. Allele origin: germline. Affected: yes.
Comment: Initiation codon variant in a gene for which loss of function is a known mechanism of disease; Not observed at significant frequency in large population cohorts (gnomAD); Identified in at least one patient with pheochromocytoma (Yao et al., 2010; Armaiz-Pena et al., 2021); This variant is associated with the following publications: (PMID: 32575117, 33051659, 21156949)

OMIM
Classification: Pathogenic for PHEOCHROMOCYTOMA/PARAGANGLIOMA SYNDROME 8. Last evaluated: 2010-12-15. Review status: no assertion criteria provided. Collection method: literature only. Allele origin: germline. Not counted in ClinVar's aggregate classification.

Familial Cancer Clinic, Veneto Institute of Oncology
Classification: Likely pathogenic for Pheochromocytoma. Review status: no assertion criteria provided. Collection method: not provided. Allele origin: germline. Not counted in ClinVar's aggregate classification.
ClinVar note: Converted during submission from likely pathogenic - adrenal pheochromocytoma to Likely pathogenic.

Literature cited by the submitters: PubMed 21156949 (cited by 3 submitters); PubMed 28384794 (cited by Labcorp Genetics (formerly Invitae), Labcorp); PubMed 20923864 (cited by Labcorp Genetics (formerly Invitae), Labcorp).

NM_017849.4(TMEM127):c.3G>T (p.Met1Ile)

Genes: TMEM127 (transmembrane protein 127; minus strand), LOC129934333 (ATAC-STARR-seq lymphoblastoid silent region 11759; plus strand). Cytogenetic location: 2q11.2.
Variant type: single nucleotide variant.
Coding change: c.3G>T on transcript NM_017849.4 (MANE Select); coding-DNA position 3, G replaced by T.
Protein change: p.Met1Ile; changes the start codon (methionine 1).
Molecular consequence: missense variant, initiator codon variant.
Genome position (GRCh38, 1-based): chr2:96,265,379, C>A on the plus strand (G>T on the coding strand, the complement: TMEM127 is on the minus strand). VCF-style: chr2-96265379-C-A. GRCh37 (hg19) VCF-style: chr2-96931117-C-A.
Other names: c.3G>T, p.Met1Ile (NM_001193304.3); short protein forms M1I.
Identifiers: ClinVar variation 126968 (VCV000126968.12), dbSNP rs121908814, ClinGen allele CA269750.